The following is an entry in ClinVar:

NM_001271.4(CHD2):c.443+1G>A

Gene: CHD2 (chromodomain helicase DNA binding protein 2; plus strand). Cytogenetic location: 15q26.1.
Variant type: single nucleotide variant.
Coding change: c.443+1G>A on transcript NM_001271.4 (MANE Select); the canonical splice donor site of the intron after coding-DNA position 443, G replaced by A.
Molecular consequence: splice donor variant.
Genome position (GRCh38, 1-based): chr15:92,929,092, G>A. VCF-style: chr15-92929092-G-A. GRCh37 (hg19) VCF-style: chr15-93472322-G-A.
Other names: c.443+1G>A (NM_001042572.3, NM_001271.3).
Identifiers: ClinVar variation 1521509 (VCV001521509.10), dbSNP rs2141755359, ClinGen allele CA393897713.

ClinVar aggregate classification (germline): Pathogenic/Likely pathogenic. Review status: criteria provided, multiple submitters, no conflicts (2 of 4 stars). 2 submissions from 2 submitters: Pathogenic (1); Likely pathogenic (1). Last evaluated 2023-06-07.

Conditions:
Inborn genetic diseases. Identifiers: MedGen C0950123, MeSH D030342.
Developmental and epileptic encephalopathy 94 (DEE94). Also called: Epileptic encephalopathy, childhood-onset; CHD2-Related Neurodevelopmental Disorders. Identifiers: Orphanet 1942, Orphanet 2382, MedGen C3809278, MONDO:0014150, OMIM 615369.

Submissions (2):

Ambry Genetics
Classification: Pathogenic for Inborn genetic diseases. Last evaluated: 2023-06-07. Review status: criteria provided, single submitter. Criteria: Ambry Variant Classification Scheme 2023. Collection method: clinical testing. Allele origin: germline.
Comment: The c.443+1G>A intronic variant results from a G to A substitution one nucleotide after exon 5 (coding exon 4) of the CHD2 gene. Alterations that disrupt the canonical splice site are expected to cause aberrant splicing, resulting in an abnormal protein or a transcript that is subject to nonsense-mediated mRNA decay. This variant was not reported in population-based cohorts in the Genome Aggregation Database (gnomAD). This variant has been determined to be the result of a de novo mutation in an individual with CHD2-related developmental and epileptic encephalopathy (Yang, 2020). Based on the available evidence, this alteration is classified as pathogenic.

Labcorp Genetics (formerly Invitae), Labcorp
Classification: Likely pathogenic for Developmental and epileptic encephalopathy 94. Last evaluated: 2021-03-29. Review status: criteria provided, single submitter. Criteria: Invitae Variant Classification Sherloc (09022015). Collection method: clinical testing. Allele origin: germline.
Comment: In summary, the currently available evidence indicates that the variant is pathogenic, but additional data are needed to prove that conclusively. Therefore, this variant has been classified as Likely Pathogenic. This variant has not been reported in the literature in individuals with CHD2-related conditions. This variant is not present in population databases (ExAC no frequency). This sequence change affects a donor splice site in intron 5 of the CHD2 gene. It is expected to disrupt RNA splicing. Variants that disrupt the donor or acceptor splice site typically lead to a loss of protein function (PMID: 16199547), and loss-of-function variants in CHD2 are known to be pathogenic (PMID: 23708187, 24207121).

Literature cited by the submitters: PubMed 33584793 (cited by Ambry Genetics); PubMed 16199547 (cited by Labcorp Genetics (formerly Invitae), Labcorp); PubMed 23708187 (cited by Labcorp Genetics (formerly Invitae), Labcorp); PubMed 24207121 (cited by Labcorp Genetics (formerly Invitae), Labcorp).